The following is an entry in ClinVar:

NM_000501.4(ELN):c.1878_1879insAAAGCTTTG (p.Ala626_Ala627insLysAlaLeu)

Gene: ELN (elastin; plus strand). Cytogenetic location: 7q11.23.
Variant type: Insertion.
Coding change: c.1878_1879insAAAGCTTTG on transcript NM_000501.4 (MANE Select); coding-DNA positions 1878 to 1879, AAAGCTTTG inserted.
Protein change: p.Ala626_Ala627insLysAlaLeu.
Molecular consequence: inframe insertion.
Genome position: GRCh38 VCF-style: chr7-74063329-C-CAAAGCTTTG. GRCh37 (hg19) VCF-style: chr7-73477659-C-CAAAGCTTTG.
Other names: c.1896_1897insAAAGCTTTG, p.Ala632_Ala633insLysAlaLeu (NM_001278915.2); c.1734_1735insAAAGCTTTG, p.Ala578_Ala579insLysAlaLeu (NM_001278916.2); c.1848_1849insAAAGCTTTG, p.Ala616_Ala617insLysAlaLeu (NM_001278917.2); c.1611_1612insAAAGCTTTG, p.Ala537_Ala538insLysAlaLeu (NM_001278918.2); c.2064_2065insAAAGCTTTG, p.Ala688_Ala689insLysAlaLeu (NM_001278939.2); c.1635_1636insAAAGCTTTG, p.Ala545_Ala546insLysAlaLeu (NM_001278913.2); c.1806_1807insAAAGCTTTG, p.Ala602_Ala603insLysAlaLeu (NM_001278914.2); c.1791_1792insAAAGCTTTG, p.Ala597_Ala598insLysAlaLeu (NM_001081752.3); and 4 more.
Identifiers: ClinVar variation 1020933 (VCV001020933.8), dbSNP rs1563868747, ClinGen allele CA575336512.

ClinVar aggregate classification (germline): Uncertain significance (1 of 4 stars; one submission).

Conditions:
Supravalvar aortic stenosis (SVAS). Also called: Supravalvar aortic stenosis, Eisenberg type. Identifiers: Orphanet 3193, MedGen C0003499, MONDO:0008504, OMIM 185500, HP:0004381.

Allele frequency attached by ClinVar (database versions not stated): gnomAD below 0.00001 and 0.00001; gnomAD exomes 0.00001.

Submission:

Labcorp Genetics (formerly Invitae), Labcorp
Classification: Uncertain significance for Supravalvar aortic stenosis. Last evaluated: 2022-02-24. Review status: criteria provided, single submitter. Criteria: Invitae Variant Classification Sherloc (09022015). Collection method: clinical testing. Allele origin: germline.
Comment: Experimental studies and prediction algorithms are not available or were not evaluated, and the functional significance of this variant is currently unknown. In summary, the available evidence is currently insufficient to determine the role of this variant in disease. Therefore, it has been classified as a Variant of Uncertain Significance. ClinVar contains an entry for this variant (Variation ID: 1020933). This variant has not been reported in the literature in individuals affected with ELN-related conditions. This variant is present in population databases (no rsID available, gnomAD 0.009%). This variant, c.2064_2065insAAAGCTTTG, results in the insertion of 3 amino acid(s) of the ELN protein (p.Ala688_Ala689insLysAlaLeu), but otherwise preserves the integrity of the reading frame.